The following is an entry in ClinVar:

ClinVar aggregate classification (germline): Likely benign (1 of 4 stars; one submission).

Allele frequency attached by ClinVar (database versions not stated): TOPMed below 0.00001.

Submission:

CeGaT Center for Human Genetics Tuebingen
Classification: Likely benign. Last evaluated: 2022-07-01. Review status: criteria provided, single submitter. Criteria: CeGaT Center For Human Genetics Tuebingen Variant Classification Criteria Version 2. Collection method: clinical testing. Allele origin: germline. Affected: yes. Observed: 1 variant allele.
Comment: BTD: PM2:Supporting, BP4, BP7

NM_001370752.1(BTD):c.1029C>T (p.Val343=)

Genes: ANKRD28 (ankyrin repeat domain 28; minus strand), BTD (biotinidase; plus strand). Cytogenetic location: 3p25.1.
Variant type: single nucleotide variant.
Coding change: c.1029C>T on transcript NM_001370752.1; coding-DNA position 1029, C replaced by T.
Protein change: p.Val343=; no amino-acid change (valine 343 retained).
Molecular consequence: synonymous variant. On other transcripts: intron variant (10).
Genome position (GRCh38, 1-based): chr3:15,721,783, C>T. VCF-style: chr3-15721783-C-T. GRCh37 (hg19) VCF-style: chr3-15763290-C-T.
Other names: c.1029C>T, p.Val343= (NM_001407379.1); c.694-656G>A (NM_015199.4); c.685-656G>A (NM_001349279.2); c.526-656G>A (NM_001349280.1, NM_001349281.2, NM_001349282.2); c.232-656G>A (NM_001195098.1, NM_001349283.2, NM_001195099.2); c.784-656G>A (NM_001349278.2); c.793-656G>A (NM_001349277.2).
Identifiers: ClinVar variation 2653604 (VCV002653604.22), dbSNP rs2073760945, ClinGen allele CA1347698370.